The following is an entry in ClinVar:

ClinVar aggregate classification (germline): Uncertain significance (1 of 4 stars; one submission).

Conditions:
Lissencephaly 9 with complex brainstem malformation. Identifiers: Orphanet 572013, MedGen C5193029, MONDO:0032677, OMIM 618325.

Submission:

MVZ Medizinische Genetik Mainz
Classification: Uncertain significance for Lissencephaly 9 with complex brainstem malformation. Last evaluated: 2025-11-06. Review status: criteria provided, single submitter. Criteria: UK Practice Guidelines For Variant Classification V4 01 2020. Collection method: clinical testing. Allele origin: germline. Inheritance: Autosomal dominant inheritance. Affected: yes. Observed: 1 variant allele.
Comment: ACMG Criteria: PVS1_MOD,PM2_SUP

NM_001394062.1(MACF1):c.19300C>T (p.Gln6434Ter)

Gene: MACF1 (microtubule actin crosslinking factor 1; plus strand). Cytogenetic location: 1p34.3.
Variant type: single nucleotide variant.
Coding change: c.19300C>T on transcript NM_001394062.1 (MANE Select); coding-DNA position 19300, C replaced by T.
Protein change: p.Gln6434Ter; replaces glutamine 6434 with a stop codon.
Molecular consequence: nonsense.
Genome position (GRCh38, 1-based): chr1:39,442,909, C>T. VCF-style: chr1-39442909-C-T. GRCh37 (hg19) VCF-style: chr1-39908581-C-T.
Other names: c.7378C>T, p.Gln2460Ter (NM_001397473.1); c.13123C>T, p.Gln4375Ter (NM_012090.5); short protein forms Q2460*, Q4375*, Q6434*.
Identifiers: ClinVar variation 4532223 (VCV004532223.1).